The following is an entry in ClinVar:

NM_000169.3(GLA):c.178C>A (p.Pro60Thr)

Genes: RPL36A-HNRNPH2 (RPL36A-HNRNPH2 readthrough; plus strand), GLA (galactosidase alpha; minus strand). Cytogenetic location: Xq22.1.
Variant type: single nucleotide variant.
Coding change: c.178C>A on transcript NM_000169.3 (MANE Select); coding-DNA position 178, C replaced by A.
Protein change: p.Pro60Thr; replaces proline 60 with threonine.
Molecular consequence: missense variant. On other transcripts: non-coding transcript variant (3), intron variant (2).
Genome position (GRCh38, 1-based): chrX:101,407,726, G>T on the plus strand (C>A on the coding strand, the complement: GLA is on the minus strand). VCF-style: chrX-101407726-G-T. GRCh37 (hg19) VCF-style: chrX-100662714-G-T.
Other names: c.178C>A, p.Pro60Thr (NM_001406747.1, NM_001406748.1, NM_001406749.1); c.301-4210G>T (NM_001199973.2); c.178-4210G>T (NM_001199974.2); short protein forms P60T.
Identifiers: ClinVar variation 179177 (VCV000179177.9), dbSNP rs727504689, ClinGen allele CA021565.

ClinVar aggregate classification (germline): Uncertain significance. Review status: criteria provided, multiple submitters, no conflicts (2 of 4 stars). 4 submissions from 4 submitters: Uncertain significance (4). Last evaluated 2026-09-08.

Conditions:
Fabry disease. Also called: ALPHA-GALACTOSIDASE A DEFICIENCY; ANDERSON-FABRY DISEASE; CERAMIDE TRIHEXOSIDASE DEFICIENCY; GLA DEFICIENCY; HEREDITARY DYSTOPIC LIPIDOSIS; Ceramide trihexosidosis. Identifiers: Orphanet 324, MedGen C0002986, MONDO:0010526, OMIM 301500, HP:0001071. Disease mechanism: Fabry disease is due to inactivating mutations in the X-linked GLA gene resulting in deficiency of the enzyme Alpha Galactosidase-A., loss of function.

Submissions (4):

Genomenon, Inc
Classification: Uncertain significance for Fabry disease. Last evaluated: 2026-09-08. Review status: criteria provided, single submitter. Criteria: Genomenon Sequence Variant Interpretation Standards - Updated. Collection method: curation. Allele origin: germline. Affected: no.
Comment: GLA p.Pro60Thr (c.178C>A) is a missense variant that changes the amino acid at codon 60 from Proline to Threonine. This variant has been reported in the published literature (PMID:27657681). It is absent or not present at a significant frequency in gnomAD. In silico models predict that this variant is possibly or probably damaging. In conclusion, we classify GLA p.Pro60Thr (c.178C>A) as a variant of uncertain significance.

Labcorp Genetics (formerly Invitae), Labcorp
Classification: Uncertain significance for Fabry disease. Last evaluated: 2026-01-27. Review status: criteria provided, single submitter. Criteria: Invitae Variant Classification Sherloc (09022015). Collection method: clinical testing. Allele origin: germline.
Comment: This sequence change replaces proline, which is neutral and non-polar, with threonine, which is neutral and polar, at codon 60 of the GLA protein (p.Pro60Thr). This variant is not present in population databases (gnomAD no frequency). This variant has not been reported in the literature in individuals affected with GLA-related conditions. ClinVar contains an entry for this variant (Variation ID: 179177). Invitae Evidence Modeling of protein sequence and biophysical properties (such as structural, functional, and spatial information, amino acid conservation, physicochemical variation, residue mobility, and thermodynamic stability) indicates that this missense variant is expected to disrupt GLA protein function with a positive predictive value of 95%. Experimental studies have shown that this missense change affects GLA function (PMID: 27657681). In summary, the available evidence is currently insufficient to determine the role of this variant in disease. Therefore, it has been classified as a Variant of Uncertain Significance.

All of Us Research Program, National Institutes of Health
Classification: Uncertain significance for Fabry disease. Last evaluated: 2023-02-24. Review status: criteria provided, single submitter. Criteria: ACMG Guidelines, 2015. Collection method: clinical testing. Allele origin: germline. Inheritance: X-linked inheritance. Observed: 1 variant allele, 1 heterozygote.
Comment: This missense variant replaces proline with threonine at codon 60 of the GLA protein. Computational prediction suggests that this variant may have deleterious impact on protein structure and function (internally defined REVEL score threshold >= 0.7, PMID: 27666373). To our knowledge, functional studies have not been reported for this variant. This variant has not been reported in individuals affected with GLA-related disorders in the literature. This variant has not been identified in the general population by the Genome Aggregation Database (gnomAD). The available evidence is insufficient to determine the role of this variant in disease conclusively. Therefore, this variant is classified as a Variant of Uncertain Significance.

This study involves interpretation of variants in research participants for the purpose of population health screening. Participant phenotype was not available at the time of variant classification. Additional details can be found in publication PMID: 35346344, PMCID: PMC8962531

Laboratory for Molecular Medicine, Mass General Brigham Personalized Medicine
Classification: Uncertain significance. Last evaluated: 2013-08-11. Review status: criteria provided, single submitter. Criteria: LMM Criteria. Collection method: clinical testing. Allele origin: germline. Observed: 1 variant allele.
Comment: The Pro60Thr variant in GLA has not been reported in individuals with cardiomyop athy or in large population studies. Of note, another amino acid change at the s ame position (Pro60Leu) has been reported in 1 individual with Fabry disease (Ve dder 2007). Proline (Pro) at position 60 is conserved in evolution, suggesting t hat a change would impact the protein. Other computational analyses (biochemical amino acid properties, AlignGVGD, PolyPhen2, and SIFT) do not provide strong su pport for or against an impact to the protein. Additional information is needed to fully assess the clinical significance of the Pro60Thr variant.

Literature cited by the submitters: PubMed 27657681 (cited by Genomenon, Inc and Labcorp Genetics (formerly Invitae), Labcorp); PubMed 17206462 (cited by Laboratory for Molecular Medicine, Mass General Brigham Personalized Medicine).